The following is an entry in ClinVar:

NM_001134407.3(GRIN2A):c.3103G>A (p.Asp1035Asn)

Gene: GRIN2A (glutamate ionotropic receptor NMDA type subunit 2A; minus strand). Cytogenetic location: 16p13.2.
Variant type: single nucleotide variant.
Coding change: c.3103G>A on transcript NM_001134407.3 (MANE Select); coding-DNA position 3103, G replaced by A.
Protein change: p.Asp1035Asn; replaces aspartic acid 1035 with asparagine.
Molecular consequence: missense variant.
Genome position (GRCh38, 1-based): chr16:9,764,441, C>T on the plus strand (G>A on the coding strand, the complement: GRIN2A is on the minus strand). VCF-style: chr16-9764441-C-T. GRCh37 (hg19) VCF-style: chr16-9858298-C-T.
Other names: c.3103G>A, p.Asp1035Asn (NM_000833.5, NM_001134408.2); short protein forms D1035N.
Identifiers: ClinVar variation 435379 (VCV000435379.17), dbSNP rs540445580, ClinGen allele CA7896372.

ClinVar aggregate classification (germline): Conflicting classifications of pathogenicity. Review status: criteria provided, conflicting classifications (1 of 4 stars). 4 submissions from 4 submitters: Uncertain significance (1); Likely benign (3). Last evaluated 2025-10-14.

Conditions:
Landau-Kleffner syndrome (FESD). Also called: EPILEPSY, FOCAL, WITH SPEECH DISORDER AND WITH OR WITHOUT MENTAL RETARDATION; APHASIA, ACQUIRED, WITH EPILEPSY. Identifiers: Orphanet 1945, Orphanet 725, Orphanet 98818, MedGen C0282512, MONDO:0009509, OMIM 245570.

Allele frequency attached by ClinVar (database versions not stated): ExAC 0.00003; gnomAD exomes 0.00004 and 0.00003; TOPMed 0.00004; 1000 Genomes Project 0.00020; gnomAD 0.00006; 1000 Genomes Project 30x 0.00016.
gnomAD v4.1: 59 of 1,614,102 alleles (0.0037%); highest among the groups gnomAD compares: Non-Finnish European, 0.0043%; no homozygotes.

Submissions (4):

Labcorp Genetics (formerly Invitae), Labcorp
Classification: Likely benign for Landau-Kleffner syndrome. Last evaluated: 2025-10-14. Review status: criteria provided, single submitter. Criteria: Invitae Variant Classification Sherloc (09022015). Collection method: clinical testing. Allele origin: germline.

Blueprint Genetics
Classification: Likely benign. Last evaluated: 2024-08-09. Review status: criteria provided, single submitter. Criteria: ACMG Guidelines, 2015. Collection method: clinical testing. Allele origin: germline.

Women's Health and Genetics/Laboratory Corporation of America, LabCorp
Classification: Uncertain significance. Last evaluated: 2023-12-05. Review status: criteria provided, single submitter. Criteria: LabCorp Variant Classification Summary - May 2015. Collection method: clinical testing. Allele origin: germline.
Comment: Variant summary: GRIN2A c.3103G>A (p.Asp1035Asn) results in a conservative amino acid change located in the Glutamate [NMDA] receptor, epsilon subunit, C-terminal domain (IPR018884) of the encoded protein sequence. Four of five in-silico tools predict a benign effect of the variant on protein function. The variant allele was found at a frequency of 3.9e-05 in 282654 control chromosomes. This frequency is not significantly higher than estimated for a pathogenic variant in GRIN2A causing Epilepsy, Focal, With Speech Disorder And With Or Without Mental Retardation), allowing no conclusion about variant significance. To our knowledge, no occurrence of c.3103G>A in individuals affected with Epilepsy, Focal, With Speech Disorder And With Or Without Mental Retardation and no experimental evidence demonstrating its impact on protein function have been reported. Two submitters have cited clinical-significance assessments for this variant to ClinVar after 2014; both submitters classified the variant as likely benign. Based on the evidence outlined above, the variant was classified as uncertain significance.

Genetic Services Laboratory, University of Chicago
Classification: Likely benign. Last evaluated: 2016-05-26. Review status: criteria provided, single submitter. Criteria: ACMG Guidelines, 2015. Collection method: clinical testing. Allele origin: germline. Affected: no.